The following is an entry in ClinVar:

ClinVar aggregate classification (germline): Uncertain significance (1 of 4 stars; one submission).

gnomAD v4.1: 10 of 1,604,956 alleles (0.00062%); highest among the groups gnomAD compares: South Asian, 0.0078%; no homozygotes.

Submission:

Labcorp Genetics (formerly Invitae), Labcorp
Classification: Uncertain significance. Last evaluated: 2024-08-21. Review status: criteria provided, single submitter. Criteria: Invitae Variant Classification Sherloc (09022015). Collection method: clinical testing. Allele origin: germline.
Comment: This sequence change replaces proline, which is neutral and non-polar, with glutamine, which is neutral and polar, at codon 1285 of the ADGRB2 protein (p.Pro1285Gln). The frequency data for this variant in the population databases is considered unreliable, as metrics indicate poor data quality at this position in the gnomAD database. This variant has not been reported in the literature in individuals affected with ADGRB2-related conditions. An algorithm developed to predict the effect of missense changes on protein structure and function (PolyPhen-2) suggests that this variant is likely to be disruptive. In summary, the available evidence is currently insufficient to determine the role of this variant in disease. Therefore, it has been classified as a Variant of Uncertain Significance.

NM_001364857.2(ADGRB2):c.3953C>A (p.Pro1318Gln)

Gene: ADGRB2 (adhesion G protein-coupled receptor B2; minus strand). Cytogenetic location: 1p35.2.
Variant type: single nucleotide variant.
Coding change: c.3953C>A on transcript NM_001364857.2 (MANE Select); coding-DNA position 3953, C replaced by A.
Protein change: p.Pro1318Gln; replaces proline 1318 with glutamine.
Molecular consequence: missense variant.
Genome position (GRCh38, 1-based): chr1:31,731,227, G>T on the plus strand (C>A on the coding strand, the complement: ADGRB2 is on the minus strand). VCF-style: chr1-31731227-G-T. GRCh37 (hg19) VCF-style: chr1-32196828-G-T.
Other names: c.3953C>A, p.Pro1318Gln (NM_001294335.2); c.3854C>A, p.Pro1285Gln (NM_001294336.2); short protein forms P1285Q, P1318Q.
Identifiers: ClinVar variation 3702652 (VCV003702652.2).
Genomic context (GRCh38, chr1:31,731,227, plus strand): 5'-GTGAGGTCCAGCTGCCGCAGGCCACCCTCCCCACACATGTAAACAGGGTTGGCCTCCTGT[G>T]GGGGCGGAGGCTCCCCCAGCCCTGGTGAGGCTGCCATGGGCACCAGGATATTCCCAGGCA-3'
Protein context (NP_001351786.1, residues 1308-1328): ASPGLGEPPP[Pro1318Gln]QEANPVYMCG